The following is an entry in ClinVar:

ClinVar aggregate classification (germline): Conflicting classifications of pathogenicity. Review status: criteria provided, conflicting classifications (1 of 4 stars). 3 submissions from 3 submitters: Uncertain significance (1); Likely benign (2). Last evaluated 2026-01-26.

Conditions:
Osteogenesis imperfecta type 8 (OI8). Identifiers: MedGen C1970458, MONDO:0012581, OMIM 610915.
P3H1-related disorder. Also called: P3H1-related condition.

Submissions (3):

Labcorp Genetics (formerly Invitae), Labcorp
Classification: Likely benign for Osteogenesis imperfecta type 8. Last evaluated: 2026-01-26. Review status: criteria provided, single submitter. Criteria: Invitae Variant Classification Sherloc (09022015). Collection method: clinical testing. Allele origin: germline.

PreventionGenetics, part of Exact Sciences
Classification: Uncertain significance for P3H1-related condition. Last evaluated: 2025-08-11. Review status: criteria provided, single submitter. Criteria: ACMG Guidelines, 2015. Collection method: clinical testing. Allele origin: germline.
Comment: The P3H1 c.2068_2086del19 variant is predicted to result in a frameshift and premature protein termination (p.Arg690Glyfs*25). Of note, this variant is also referred to as an intronic variant c.2055+13_2055+31del19 with the transcript number listed in the Human Gene Mutation Database (HGMD) (NM_022356). To our knowledge, this variant has not been reported in the literature. This variant is reported in 0.038% of alleles in individuals of European (Non-Finnish) descent in gnomAD. In ClinVar, this variant is interpreted as likely benign. This variant could be benign. At this time, the clinical significance of this variant is uncertain due to the absence of conclusive functional and genetic evidence.

Blueprint Genetics
Classification: Likely benign. Last evaluated: 2024-05-27. Review status: criteria provided, single submitter. Criteria: ACMG Guidelines, 2015. Collection method: clinical testing. Allele origin: germline.

NM_022356.4(P3H1):c.2055+13_2055+31del

Gene: P3H1 (prolyl 3-hydroxylase 1; minus strand). Cytogenetic location: 1p34.2.
Variant type: Microsatellite.
Coding change: c.2055+13_2055+31del on transcript NM_022356.4 (MANE Select); bases 13 to 31 of the intron after coding-DNA position 2055, 19 bases deleted (CGAGCGGGTGAGAGCAGCT).
Molecular consequence: splice donor variant. On other transcripts: frameshift variant (1).
Genome position (GRCh38, 1-based): chr1:42,747,241-42,747,259, AGCTGCTCTCACCCGCTCG deleted on the plus strand (CGAGCGGGTGAGAGCAGCT on the coding strand, the reverse complement: P3H1 is on the minus strand); deleting any 19 consecutive bases within chr1:42,747,241-42,747,278 gives the same sequence; the c. name uses the placement nearest the transcript's 3' end. VCF-style (leftmost placement, unchanged base first): chr1-42747240-CAGCTGCTCTCACCCGCTCG-C. GRCh37 (hg19) VCF-style: chr1-43212911-CAGCTGCTCTCACCCGCTCG-C.
Other names: c.2068_2086del, p.Arg690fs (NM_001243246.2); c.2068_2074+12del (NM_001146289.2); c.2068_2086del19 (NM_001243246.1); short protein forms R690fs.
Identifiers: ClinVar variation 1426696 (VCV001426696.10), ClinGen allele CA801596.
Genomic context (GRCh38, chr1:42,747,240, plus strand): 5'-TGGGATTTGGGGAAGAGAAAGGCAAACCAAGGGCGCTCTGGGAACGGGTCACCACAGCAC[CAGCTGCTCTCACCCGCTCG>C]AGCTGCTCTCACCCGCTCGCTGTGTCGAGGGTCCAGGGTGAACCACAGGGCGATGGCACA-3'